The following is an entry in ClinVar:

NM_016013.4(NDUFAF1):c.526G>A (p.Glu176Lys)

Gene: NDUFAF1 (NADH:ubiquinone oxidoreductase complex assembly factor 1; minus strand). Cytogenetic location: 15q15.1.
Variant type: single nucleotide variant.
Coding change: c.526G>A on transcript NM_016013.4 (MANE Select); coding-DNA position 526, G replaced by A.
Protein change: p.Glu176Lys; replaces glutamic acid 176 with lysine.
Molecular consequence: missense variant. On other transcripts: non-coding transcript variant (1).
Genome position (GRCh38, 1-based): chr15:41,396,534, C>T on the plus strand (G>A on the coding strand, the complement: NDUFAF1 is on the minus strand). VCF-style: chr15-41396534-C-T. GRCh37 (hg19) VCF-style: chr15-41688732-C-T.
Other names: p.E176K:GAG>AAG; short protein forms E176K.
Identifiers: ClinVar variation 138454 (VCV000138454.26), dbSNP rs35227875, ClinGen allele CA292446.

ClinVar aggregate classification (germline): Benign/Likely benign. Review status: criteria provided, multiple submitters, no conflicts (2 of 4 stars). 6 submissions from 6 submitters: Benign (3); Likely benign (2). 1 of the submissions does not count toward it. Last evaluated 2026-02-01.

Conditions:
Mitochondrial complex I deficiency, nuclear type 1. Also called: NADH-COENZYME Q REDUCTASE DEFICIENCY; MITOCHONDRIAL NADH DEHYDROGENASE COMPONENT OF COMPLEX I, DEFICIENCY OF. Identifiers: MedGen C6022305, MONDO:0100224, OMIM 252010.
Mitochondrial complex I deficiency, nuclear type 11. Also called: Mitochondrial complex 1 deficiency, nuclear type 11. Identifiers: MedGen C4748769, MONDO:0032617, OMIM 618234.

Allele frequency attached by ClinVar (database versions not stated): 1000 Genomes Project 30x 0.01265; 1000 Genomes Project 0.01298; TOPMed 0.02460; gnomAD 0.02652 and 0.02686; ExAC 0.02828; gnomAD exomes 0.02890; ESP Exome Variant Server 0.03206.
gnomAD v4.1: 56,189 of 1,614,108 alleles (3.5%); highest among the groups gnomAD compares: Non-Finnish European, 3.9%; 1,102 homozygotes.

Submissions (6):

Labcorp Genetics (formerly Invitae), Labcorp
Classification: Benign. Last evaluated: 2026-02-01. Review status: criteria provided, single submitter. Criteria: Invitae Variant Classification Sherloc (09022015). Collection method: clinical testing. Allele origin: germline.

ARUP Laboratories, Molecular Genetics and Genomics, ARUP Laboratories
Classification: Benign for Mitochondrial complex I deficiency, nuclear type 11. Last evaluated: 2023-11-29. Review status: criteria provided, single submitter. Criteria: ARUP Molecular Germline Variant Investigation Process 2024. Collection method: clinical testing. Allele origin: germline.

Illumina Laboratory Services, Illumina
Classification: Likely benign for Mitochondrial complex I deficiency, nuclear type 1. Last evaluated: 2018-01-13. Review status: criteria provided, single submitter. Criteria: ICSL Variant Classification Criteria 13 December 2019. Collection method: clinical testing. Allele origin: germline.
Comment: This variant was observed in the ICSL laboratory as part of a predisposition screen in an ostensibly healthy population. It had not been previously curated by ICSL or reported in the Human Gene Mutation Database (HGMD: prior to June 1st, 2018), and was therefore a candidate for classification through an automated scoring system. Utilizing variant allele frequency, disease prevalence and penetrance estimates, and inheritance mode, an automated score was calculated to assess if this variant is too frequent to cause the disease. Based on the score and internal cut-off values, a variant classified as likely benign is not then subjected to further curation. The score for this variant resulted in a classification of likely benign for this disease.

GeneDx
Classification: Benign. Last evaluated: 2012-08-08. Review status: criteria provided, single submitter. Criteria: GeneDx Variant Classification (06012015). Collection method: clinical testing. Allele origin: germline. Affected: yes.
Comment: This variant is considered likely benign or benign based on one or more of the following criteria: it is a conservative change, it occurs at a poorly conserved position in the protein, it is predicted to be benign by multiple in silico algorithms, and/or has population frequency not consistent with disease.

Breakthrough Genomics
Classification: Likely benign. Review status: criteria provided, single submitter. Criteria: ACMG Guidelines, 2015. Collection method: not provided. Allele origin: germline. Inheritance: Autosomal recessive inheritance. Affected: yes.

Mayo Clinic Laboratories, Mayo Clinic
Classification: Benign. Last evaluated: 2016-02-19. Review status: no assertion criteria provided. Collection method: clinical testing. Allele origin: unknown. Not counted in ClinVar's aggregate classification.